The following is an entry in ClinVar:

NM_001321142.2(CIDEC):c.96G>T (p.Leu32=)

Gene: CIDEC (cell death inducing DFFA like effector c; minus strand). Cytogenetic location: 3p25.3.
Variant type: single nucleotide variant.
Coding change: c.96G>T on transcript NM_001321142.2 (MANE Select); coding-DNA position 96, G replaced by T.
Protein change: p.Leu32=; no amino-acid change (leucine 32 retained).
Molecular consequence: synonymous variant. On other transcripts: intron variant (2).
Genome position (GRCh38, 1-based): chr3:9,877,177, C>A on the plus strand (G>T on the coding strand, the complement: CIDEC is on the minus strand). VCF-style: chr3-9877177-C-A. GRCh37 (hg19) VCF-style: chr3-9918861-C-A.
Other names: p.Leu45=; c.96G>T, p.Leu32= (NM_022094.3, NM_001199551.2, NM_001199552.2 and 1 more transcripts); c.135G>T, p.Leu45= (NM_001199623.2); c.-16+1257G>T (NM_001321144.2, NM_001321143.2); c.135G>T (NM_001199623.1).
Identifiers: ClinVar variation 128774 (VCV000128774.13), dbSNP rs456168, ClinGen allele CA152423.

ClinVar aggregate classification (germline): Benign. Review status: criteria provided, multiple submitters, no conflicts (2 of 4 stars). 5 submissions from 5 submitters: Benign (4). 1 of the submissions does not count toward it. Last evaluated 2022-05-05.

Conditions:
CIDEC-related familial partial lipodystrophy. Also called: LIPODYSTROPHY, FAMILIAL PARTIAL, ASSOCIATED WITH CIDEC MUTATIONS; Familial partial lipodystrophy 5. Identifiers: Orphanet 435651, MedGen C3808940, MONDO:0014098, OMIM 615238.

Allele frequency attached by ClinVar (database versions not stated): ESP Exome Variant Server 0.26713; gnomAD 0.29400 and 0.28969; TOPMed 0.30357; ExAC 0.26799; 1000 Genomes Project 30x 0.32105; gnomAD exomes 0.25564; 1000 Genomes Project 0.31330.
gnomAD v4.1: 347,934 of 1,550,738 alleles (22%); highest among the groups gnomAD compares: African/African-American, 47%; 42,296 homozygotes.

Submissions (5):

Mayo Clinic Laboratories, Mayo Clinic
Classification: Benign. Last evaluated: 2022-05-05. Review status: criteria provided, single submitter. Criteria: ACMG Guidelines, 2015. Collection method: clinical testing. Allele origin: germline. Observed: 278 variant alleles.

Genome-Nilou Lab
Classification: Benign for CIDEC-related familial partial lipodystrophy. Last evaluated: 2021-07-22. Review status: criteria provided, single submitter. Criteria: ACMG Guidelines, 2015. Collection method: clinical testing. Allele origin: germline. Affected: no.

GeneDx
Classification: Benign. Last evaluated: 2021-06-09. Review status: criteria provided, single submitter. Criteria: GeneDx Variant Classification Process June 2021. Collection method: clinical testing. Allele origin: germline. Affected: yes.

Breakthrough Genomics
Classification: Benign. Review status: criteria provided, single submitter. Criteria: ACMG Guidelines, 2015. Collection method: not provided. Allele origin: germline. Inheritance: Autosomal recessive inheritance. Affected: yes.

Genetic Services Laboratory, University of Chicago
Classification: Likely benign for AllHighlyPenetrant. Review status: no assertion criteria provided. Collection method: clinical testing. Allele origin: germline. Inheritance: Autosomal recessive inheritance. Not counted in ClinVar's aggregate classification.
Comment: Likely benign based on allele frequency in 1000 Genomes Project or ESP global frequency and its presence in a patient with a rare or unrelated disease phenotype. NOT Sanger confirmed.